The following is an entry in ClinVar:

NM_000465.4(BARD1):c.1509G>T (p.Lys503Asn)

Gene: BARD1 (BRCA1 associated RING domain 1; minus strand). Cytogenetic location: 2q35.
Variant type: single nucleotide variant.
Coding change: c.1509G>T on transcript NM_000465.4 (MANE Select); coding-DNA position 1509, G replaced by T.
Protein change: p.Lys503Asn; replaces lysine 503 with asparagine.
Molecular consequence: missense variant. On other transcripts: non-coding transcript variant (3), intron variant (3).
Genome position (GRCh38, 1-based): chr2:214,767,541, C>A on the plus strand (G>T on the coding strand, the complement: BARD1 is on the minus strand). VCF-style: chr2-214767541-C-A. GRCh37 (hg19) VCF-style: chr2-215632265-C-A.
Other names: c.1452G>T, p.Lys484Asn (NM_001282543.2); c.159-14986G>T (NM_001282548.2); c.216-14986G>T (NM_001282545.2); c.364+24756G>T (NM_001282549.2); short protein forms K484N, K503N.
Identifiers: ClinVar variation 3820286 (VCV003820286.1).

ClinVar aggregate classification (germline): Uncertain significance (1 of 4 stars; one submission).

Conditions:
Hereditary cancer-predisposing syndrome. Also called: Hereditary neoplastic syndrome; Neoplastic Syndromes, Hereditary; Tumor predisposition; Hereditary Cancer Syndrome. Identifiers: Orphanet 140162, MedGen C0027672, MeSH D009386, MONDO:0015356.

Submission:

Ambry Genetics
Classification: Uncertain significance for Hereditary cancer-predisposing syndrome. Last evaluated: 2024-12-26. Review status: criteria provided, single submitter. Criteria: Ambry Variant Classification Scheme 2023. Collection method: clinical testing. Allele origin: germline.
Comment: The p.K503N variant (also known as c.1509G>T), located in coding exon 6 of the BARD1 gene, results from a G to T substitution at nucleotide position 1509. The lysine at codon 503 is replaced by asparagine, an amino acid with similar properties. This amino acid position is conserved. In addition, this alteration is predicted to be tolerated by in silico analysis. Based on the available evidence, the clinical significance of this variant remains unclear.